The following is an entry in ClinVar:

NM_020778.5(ALPK3):c.135_143+12del

Gene: ALPK3 (alpha kinase 3; plus strand). Cytogenetic location: 15q25.3.
Variant type: Deletion.
Coding change: c.135_143+12del on transcript NM_020778.5 (MANE Select); coding-DNA position 135 through 12 bases into the intron after coding-DNA position 143, 21 bases deleted (CGAGACCAGGTAAGTGGCACC).
Molecular consequence: splice donor variant.
Genome position (GRCh38, 1-based): chr15:84,817,587-84,817,607, CGAGACCAGGTAAGTGGCACC deleted; deleting any 21 consecutive bases within chr15:84,817,585-84,817,607 gives the same sequence; the c. name uses the placement nearest the transcript's 3' end. VCF-style (leftmost placement, unchanged base first): chr15-84817584-GCCCGAGACCAGGTAAGTGGCA-G. GRCh37 (hg19) VCF-style: chr15-85360815-GCCCGAGACCAGGTAAGTGGCA-G.
Identifiers: ClinVar variation 1758787 (VCV001758787.9), dbSNP rs762762408, ClinGen allele CA7708843.

ClinVar aggregate classification (germline): Likely pathogenic. Review status: criteria provided, multiple submitters, no conflicts (2 of 4 stars). 3 submissions from 3 submitters: Likely pathogenic (3). Last evaluated 2026-08-05.

Conditions:
Cardiomyopathy, familial hypertrophic 27. Identifiers: MedGen C4748014, MONDO:0054838, OMIM 618052.
Cardiovascular phenotype. Identifiers: MedGen CN230736.

Submissions (3):

Ambry Genetics
Classification: Likely pathogenic for Cardiovascular phenotype. Last evaluated: 2026-08-05. Review status: criteria provided, single submitter. Criteria: Ambry Variant Classification Scheme 2023. Collection method: clinical testing. Allele origin: germline.
Comment: The c.741_749+12del21 variant is located at the exon/intron boundary of coding exon 1 of the ALPK3 gene. This variant results from a deletion of the last 9 nucleotides of coding exon 1 and the first 12 nucleotides of intron 1 at positions c.741 to c.749+12. These nucleotide positions are generally well conserved in available vertebrate species. In silico splice site analysis predicts that this alteration will weaken the native splice donor site. Variants that disrupt the canonical splice site are expected to cause aberrant splicing, resulting in an abnormal protein or a transcript that is subject to nonsense-mediated mRNA decay. Based on the majority of available evidence to date, this variant is likely to be pathogenic.

Labcorp Genetics (formerly Invitae), Labcorp
Classification: Likely pathogenic. Last evaluated: 2025-03-30. Review status: criteria provided, single submitter. Criteria: Invitae Variant Classification Sherloc (09022015). Collection method: clinical testing. Allele origin: germline.
Comment: This variant results in the deletion of part of exon 1 (c.741_749+12del) of the ALPK3 gene. It is expected to disrupt RNA splicing. Variants that disrupt the donor or acceptor splice site typically lead to a loss of protein function (PMID: 16199547), and loss-of-function variants in ALPK3 are known to be pathogenic (PMID: 21441111, 26846950, 27106955, 34263907). The frequency data for this variant in the population databases is considered unreliable, as metrics indicate poor data quality at this position in the gnomAD database. This variant has been observed in individual(s) with hypertrophic cardiomyopathy (internal data). ClinVar contains an entry for this variant (Variation ID: 1758787). In summary, the currently available evidence indicates that the variant is pathogenic, but additional data are needed to prove that conclusively. Therefore, this variant has been classified as Likely Pathogenic.

First Genomix Gene Laboratory, Genetic Diagnostics Department
Classification: Likely pathogenic for Cardiomyopathy, familial hypertrophic 27. Last evaluated: 2025-03-26. Review status: criteria provided, single submitter. Criteria: ACMG Guidelines, 2015. Collection method: clinical testing. Allele origin: germline. Inheritance: Autosomal recessive inheritance. Affected: no. Observed: 1 variant allele.

Literature cited by the submitters: PubMed 16199547 (cited by Labcorp Genetics (formerly Invitae), Labcorp); PubMed 21441111 (cited by Labcorp Genetics (formerly Invitae), Labcorp); PubMed 26846950 (cited by Labcorp Genetics (formerly Invitae), Labcorp); PubMed 27106955 (cited by Labcorp Genetics (formerly Invitae), Labcorp); PubMed 34263907 (cited by Labcorp Genetics (formerly Invitae), Labcorp).